The following is an entry in ClinVar:

NM_006514.4(SCN10A):c.4663A>T (p.Ile1555Phe)

Gene: SCN10A (sodium voltage-gated channel alpha subunit 10; minus strand). Cytogenetic location: 3p22.2.
Variant type: single nucleotide variant.
Coding change: c.4663A>T on transcript NM_006514.4 (MANE Select); coding-DNA position 4663, A replaced by T.
Protein change: p.Ile1555Phe; replaces isoleucine 1555 with phenylalanine.
Molecular consequence: missense variant.
Genome position (GRCh38, 1-based): chr3:38,698,557, T>A on the plus strand (A>T on the coding strand, the complement: SCN10A is on the minus strand). VCF-style: chr3-38698557-T-A. GRCh37 (hg19) VCF-style: chr3-38740048-T-A.
Other names: c.4660A>T, p.Ile1554Phe (NM_001293306.2); c.4369A>T, p.Ile1457Phe (NM_001293307.2); short protein forms I1555F, I1457F, I1554F.
Identifiers: ClinVar variation 240678 (VCV000240678.5), dbSNP rs754130748, ClinGen allele CA2319835.

ClinVar aggregate classification (germline): Uncertain significance (1 of 4 stars; one submission).

Conditions:
Brugada syndrome. Also called: Sudden Unexplained Death Syndrome; Sudden Unexplained Nocturnal Death Syndrome (SUNDS); Sudden unexpected nocturnal death syndrome; Sudden unexplained nocturnal death syndrome. Identifiers: Orphanet 130, MedGen C1142166, MONDO:0015263.

Allele frequency attached by ClinVar (database versions not stated): gnomAD exomes below 0.00001; TOPMed below 0.00001; ExAC 0.00001; gnomAD 0.00001.
gnomAD v4.1: 1 of 1,609,466 alleles (0.000062%); highest among the groups gnomAD compares: Non-Finnish European, 0.000085%; no homozygotes.

Submission:

Labcorp Genetics (formerly Invitae), Labcorp
Classification: Uncertain significance for Brugada syndrome. Last evaluated: 2015-11-09. Review status: criteria provided, single submitter. Criteria: Invitae Variant Classification Sherloc (09022015). Collection method: clinical testing. Allele origin: germline.
Comment: In summary, this is a rare missense change that is not predicted to affect protein function or cause disease. However, the evidence is insufficient at this time to prove that conclusively. Therefore, it has been classified as a Variant of Uncertain Significance. Algorithms developed to predict the effect of missense changes on protein structure and function (SIFT, PolyPhen-2, Align-GVGD) all suggest that this variant is likely to be tolerated, but these predictions have not been confirmed by published functional studies. This variant is present in population databases (no rsID, ExAC 0.002%) but has not been reported in the literature. This sequence change replaces isoleucine with phenylalanine at codon 1555 of the SCN10A protein (p.Ile1555Phe). The isoleucine residue is weakly conserved and there is a small physicochemical difference between isoleucine and phenylalanine.